The following is an entry in ClinVar:

NM_000310.4(PPT1):c.169dup (p.Met57fs)

Gene: PPT1 (palmitoyl-protein thioesterase 1; minus strand). Cytogenetic location: 1p34.2.
Variant type: Duplication.
Coding change: c.169dup on transcript NM_000310.4 (MANE Select); coding-DNA position 169, one base duplicated (A; older notation c.169dupA).
Protein change: p.Met57fs; shifts the reading frame from methionine 57.
Molecular consequence: frameshift variant. On other transcripts: intron variant (1).
Genome position (GRCh38, 1-based): chr1:40,092,463, T duplicated on the plus strand (A on the coding strand, the reverse complement: PPT1 is on the minus strand); the first of 7 consecutive T bases (chr1:40,092,463-40,092,469); duplicating any one gives the same sequence. VCF-style (leftmost placement, unchanged base first): chr1-40092462-A-AT. GRCh37 (hg19) VCF-style: chr1-40558134-A-AT.
Other names: c.169dupA (NM_000310.3); c.169dup, p.Met57fs (NM_001363695.2); c.125-2951dup (NM_001142604.2); short protein forms M57fs.
Identifiers: ClinVar variation 56182 (VCV000056182.69), dbSNP rs386833634, ClinGen allele CA263481.
Genomic context (GRCh38, chr1:40,092,462, plus strand): 5'-ATCAGGGTCTTCCCAATCTCTAAAGATAAGACGTAAATTCCAGGTATTTTCTTCTCCACC[A>AT]TTTTTTTAATAGCACCCATGCTTAAGGGATTGCAACAGCTGTCTCCTAGCCAACAAAACA-3'

ClinVar aggregate classification (germline): Pathogenic. Review status: criteria provided, multiple submitters, no conflicts (2 of 4 stars). 14 submissions from 14 submitters: Pathogenic (10). 4 of the submissions do not count toward it. Last evaluated 2025-11-24.

Conditions:
PPT1-related disorder. Also called: PPT1-related condition.
Neuronal ceroid lipofuscinosis. Also called: Neuronal Ceroid Lipofuscinoses. Identifiers: Orphanet 216, Orphanet 79263, MedGen C0027877, MONDO:0016295. Disease mechanism: loss of function.
Neuronal ceroid lipofuscinosis 1 (CLN1). Also called: CEROID LIPOFUSCINOSIS, NEURONAL, 1, VARIABLE AGE AT ONSET; PPT1-Related Neuronal Ceroid-Lipofuscinosis. Identifiers: Orphanet 228329, MedGen C1850451, MONDO:0009744, OMIM 256730.

Submissions (14):

Labcorp Genetics (formerly Invitae), Labcorp
Classification: Pathogenic for Neuronal ceroid lipofuscinosis 1. Last evaluated: 2025-11-24. Review status: criteria provided, single submitter. Criteria: Invitae Variant Classification Sherloc (09022015). Collection method: clinical testing. Allele origin: germline.
Comment: This sequence change creates a premature translational stop signal (p.Met57Asnfs*45) in the PPT1 gene. It is expected to result in an absent or disrupted protein product. Loss-of-function variants in PPT1 are known to be pathogenic (PMID: 10679943, 21990111). This variant is present in population databases (rs386833634, gnomAD 0.006%). This premature translational stop signal has been observed in individuals with infantile neuronal ceroid lipofuscinosis (PMID: 9571187, 10679943, 21990111). This variant is also known as 169 (A169i) and as c.162-163insA. ClinVar contains an entry for this variant (Variation ID: 56182). For these reasons, this variant has been classified as Pathogenic.

Natera, Inc.
Classification: Pathogenic for Neuronal ceroid lipofuscinosis 1. Last evaluated: 2025-06-26. Review status: criteria provided, single submitter. Criteria: Natera Variant Classification Schema (03/2026). Collection method: clinical testing. Allele origin: germline.
Comment: The c.169dupA variant in PPT1 is a frameshift variant predicted to shift the reading frame beginning at codon 57 and leads to a stop codon 45 codons downstream. This variant is expected to result in nonsense mediated decay, truncation, or a dysfunctional protein product. This variant is rare in the general population with a frequency below the threshold expected for the associated phenotype(s). This variant has been observed in one or more individuals affected with the associated recessive disease, as either homozygous or compound heterozygous with a second variant (PMID: 37074398, 10679943). Given the available evidence, this variant is classified as Pathogenic.

Fulgent Genetics
Classification: Pathogenic for Neuronal ceroid lipofuscinosis 1. Last evaluated: 2024-04-03. Review status: criteria provided, single submitter. Criteria: ACMG Guidelines, 2015. Collection method: clinical testing. Allele origin: germline.

Baylor Genetics
Classification: Pathogenic for Neuronal ceroid lipofuscinosis 1. Last evaluated: 2024-03-21. Review status: criteria provided, single submitter. Criteria: ACMG Guidelines, 2015. Collection method: clinical testing. Allele origin: unknown.

Institute of Human Genetics Munich, TUM University Hospital
Classification: Pathogenic for Neuronal ceroid lipofuscinosis 1. Last evaluated: 2024-03-07. Review status: criteria provided, single submitter. Criteria: Classification criteria August 2017. Collection method: clinical testing. Allele origin: inherited. Inheritance: Autosomal recessive inheritance. Affected: yes. Observed: 1 variant allele.

Blueprint Genetics
Classification: Pathogenic for PPT1-related disorders. Last evaluated: 2022-09-29. Review status: criteria provided, single submitter. Criteria: ACMG Guidelines, 2015. Collection method: clinical testing. Allele origin: germline. Affected: yes. Observed: 1 variant allele.

GeneDx
Classification: Pathogenic. Last evaluated: 2021-06-24. Review status: criteria provided, single submitter. Criteria: GeneDx Variant Classification Process June 2021. Collection method: clinical testing. Allele origin: germline. Affected: yes.
Comment: Reported as c.169-170insA by Waliany et al. (2000) using alternate nomenclature; Frameshift variant predicted to result in protein truncation or nonsense mediated decay in a gene for which loss-of-function is a known mechanism of disease; Not observed at a significant frequency in large population cohorts (Lek et al., 2016); This variant is associated with the following publications: (PMID: 10679943, 9571187, 21990111, 28878621, 10649502, 26707855, 27535533)

Victorian Clinical Genetics Services, Murdoch Childrens Research Institute
Classification: Pathogenic for Neuronal ceroid lipofuscinosis 1. Last evaluated: 2021-05-06. Review status: criteria provided, single submitter. Criteria: ACMG Guidelines, 2015. Collection method: clinical testing. Allele origin: germline. Inheritance: Autosomal recessive inheritance.
Comment: Based on the classification scheme VCGS_Germline_v1.3.4, this variant is classified as Pathogenic. Following criteria are met: 0102 - Loss of function is a known mechanism of disease in this gene and is associated with neuronal ceroid lipofuscinosis 1 (MIM#256730). (I) 0106 - This gene is associated with autosomal recessive disease. (I) 0201 - Variant is predicted to cause nonsense-mediated decay (NMD) and loss of protein (premature termination codon is located at least 54 nucleotides upstream of the final exon-exon junction). (SP) 0251 - This variant is heterozygous. (I) 0304 - Variant is present in gnomAD (v2) <0.01 for a recessive condition (9 heterozygotes, 0 homozygotes). (SP) 0701 - Other protein truncating variants comparable to the one identified in this case have very strong previous evidence for pathogenicity. These variants have been reported many times as pathogenic, and have been observed in individuals with neuronal ceroid lipofuscinosis (ClinVar, Decipher). (SP) 0802 - This variant has moderate previous evidence of pathogenicity in unrelated individuals. This variant has been reported multiple times as pathogenic and likely pathogenic in individuals with neuronal ceroid lipofuscinosis (ClinVar). (SP) 1201 - Heterozygous variant detected likely in trans with a second pathogenic heterozygous variant (p.(Arg151*)) in a recessive disease. (I) Legend: (SP) - Supporting pathogenic, (I) - Information, (SB) - Supporting benign

Women's Health and Genetics/Laboratory Corporation of America, LabCorp
Classification: Pathogenic for Neuronal ceroid lipofuscinosis. Last evaluated: 2020-12-21. Review status: criteria provided, single submitter. Criteria: LabCorp Variant Classification Summary - May 2015. Collection method: clinical testing. Allele origin: germline.
Comment: Variant summary: PPT1 c.169dupA (p.Met57AsnfsX45) results in a premature termination codon, predicted to cause a truncation of the encoded protein or absence of the protein due to nonsense mediated decay, which are commonly known mechanisms for disease. Truncations downstream of this position have been classified as pathogenic by our laboratory. The variant allele was found at a frequency of 3.2e-05 in 251438 control chromosomes (gnomAD). c.169dupA has been reported in the literature in individuals affected with Neuronal Ceroid-Lipofuscinosis (Batten Disease) (Santorelli_1998, Waliany_2000, Levin_2014). These data indicate that the variant is likely to be associated with disease. Two publications report experimental evidence demonstrating an effect of the variant on the expression of other genes via whole transcriptome profiling (Tikka_2016, Pezzini_2017). Three ClinVar submitters (evaluation after 2014) cite the variant as pathogenic. Based on the evidence outlined above, the variant was classified as pathogenic.

CeGaT Center for Human Genetics Tuebingen
Classification: Pathogenic. Last evaluated: 2017-01-01. Review status: criteria provided, single submitter. Criteria: CeGaT Center For Human Genetics Tuebingen Variant Classification Criteria Version 2. Collection method: clinical testing. Allele origin: germline. Affected: yes. Observed: 1 variant allele.

Counsyl
Classification: Likely pathogenic for Ceroid lipofuscinosis neuronal 1. Last evaluated: 2014-08-03. Review status: no assertion criteria provided. Collection method: literature only. Allele origin: unknown. Inheritance: Autosomal recessive inheritance. Not counted in ClinVar's aggregate classification.

Clinical Molecular Genetics Laboratory, Johns Hopkins All Children's Hospital
Classification: Pathogenic for Neuronal ceroid lipofuscinosis. Last evaluated: 2008-09-22. Review status: no assertion criteria provided. Collection method: clinical testing. Allele origin: germline. Affected: yes. Not counted in ClinVar's aggregate classification.

OMIM
Classification: Pathogenic for CEROID LIPOFUSCINOSIS, NEURONAL, 1. Last evaluated: 1998-04-17. Review status: no assertion criteria provided. Collection method: literature only. Allele origin: germline. Not counted in ClinVar's aggregate classification.

Juha Muilu Group; Institute for Molecular Medicine Finland (FIMM)
Classification: Likely pathogenic for Ceroid lipofuscinosis neuronal 1. Review status: no assertion criteria provided. Collection method: not provided. Allele origin: unknown. Not counted in ClinVar's aggregate classification.
Comment: FinDis database variant: This variant was not found or characterized by our laboratory, data were collected from public sources: see reference
ClinVar note: Converted during submission from probable-pathogenic to Likely pathogenic.

Literature cited by the submitters: PubMed 10679943 (cited by Labcorp Genetics (formerly Invitae), Labcorp and Natera, Inc.); PubMed 21990111 (cited by Labcorp Genetics (formerly Invitae), Labcorp); PubMed 9571187 (cited by 4 submitters); PubMed 37074398 (cited by Natera, Inc.); PubMed 10649502 (cited by Women's Health and Genetics/Laboratory Corporation of America, LabCorp); PubMed 24997880 (cited by Women's Health and Genetics/Laboratory Corporation of America, LabCorp); PubMed 28878621 (cited by Women's Health and Genetics/Laboratory Corporation of America, LabCorp); PubMed 26707855 (cited by Women's Health and Genetics/Laboratory Corporation of America, LabCorp).